The following is an entry in ClinVar:

NM_000091.5(COL4A3):c.290G>T (p.Gly97Val)

Genes: COL4A3 (collagen type IV alpha 3 chain; plus strand), MFF-DT (MFF divergent transcript; minus strand). Cytogenetic location: 2q36.3.
Variant type: single nucleotide variant.
Coding change: c.290G>T on transcript NM_000091.5 (MANE Select); coding-DNA position 290, G replaced by T.
Protein change: p.Gly97Val; replaces glycine 97 with valine.
Molecular consequence: missense variant.
Genome position (GRCh38, 1-based): chr2:227,244,961, G>T. VCF-style: chr2-227244961-G-T. GRCh37 (hg19) VCF-style: chr2-228109677-G-T.
Other names: short protein forms G97V.
Identifiers: ClinVar variation 3680520 (VCV003680520.2).

ClinVar aggregate classification (germline): Uncertain significance (1 of 4 stars; one submission).

gnomAD v4.1: 3 of 1,613,254 alleles (0.00019%); highest among the groups gnomAD compares: Non-Finnish European, 0.00017%; no homozygotes.

Submission:

Labcorp Genetics (formerly Invitae), Labcorp
Classification: Uncertain significance. Last evaluated: 2024-07-19. Review status: criteria provided, single submitter. Criteria: Invitae Variant Classification Sherloc (09022015). Collection method: clinical testing. Allele origin: germline.
Comment: This sequence change replaces glycine, which is neutral and non-polar, with valine, which is neutral and non-polar, at codon 97 of the COL4A3 protein (p.Gly97Val). This variant is not present in population databases (gnomAD no frequency). This variant has not been reported in the literature in individuals affected with COL4A3-related conditions. Advanced modeling of protein sequence and biophysical properties (such as structural, functional, and spatial information, amino acid conservation, physicochemical variation, residue mobility, and thermodynamic stability) has been performed at Invitae for this missense variant, however the output from this modeling did not meet the statistical confidence thresholds required to predict the impact of this variant on COL4A3 protein function. In summary, the available evidence is currently insufficient to determine the role of this variant in disease. Therefore, it has been classified as a Variant of Uncertain Significance.